The following is an entry in ClinVar:

ClinVar aggregate classification (germline): Uncertain significance. Review status: criteria provided, multiple submitters, no conflicts (2 of 4 stars). 2 submissions from 2 submitters: Uncertain significance (2). Last evaluated 2025-02-10.

Conditions:
Inborn genetic diseases. Identifiers: MedGen C0950123, MeSH D030342.

Allele frequency attached by ClinVar (database versions not stated): TOPMed 0.00003; ExAC 0.00008.
gnomAD v4.1: 72 of 1,612,908 alleles (0.0045%); highest among the groups gnomAD compares: South Asian, 0.029%; no homozygotes.

Submissions (2):

Labcorp Genetics (formerly Invitae), Labcorp
Classification: Uncertain significance. Last evaluated: 2025-02-10. Review status: criteria provided, single submitter. Criteria: Invitae Variant Classification Sherloc (09022015). Collection method: clinical testing. Allele origin: germline.
Comment: This sequence change replaces arginine, which is basic and polar, with glutamine, which is neutral and polar, at codon 1380 of the OBSL1 protein (p.Arg1380Gln). This variant is present in population databases (rs202001381, gnomAD 0.03%). This variant has not been reported in the literature in individuals affected with OBSL1-related conditions. ClinVar contains an entry for this variant (Variation ID: 1380828). An algorithm developed to predict the effect of missense changes on protein structure and function outputs the following: PolyPhen-2: "Benign". The glutamine amino acid residue is found in multiple mammalian species, which suggests that this missense change does not adversely affect protein function. In summary, the available evidence is currently insufficient to determine the role of this variant in disease. Therefore, it has been classified as a Variant of Uncertain Significance.

Ambry Genetics
Classification: Uncertain significance for Inborn genetic diseases. Last evaluated: 2024-06-05. Review status: criteria provided, single submitter. Criteria: Ambry Variant Classification Scheme 2023. Collection method: clinical testing. Allele origin: germline.

NM_015311.3(OBSL1):c.4139G>A (p.Arg1380Gln)

Gene: OBSL1 (obscurin like cytoskeletal adaptor 1; minus strand). Cytogenetic location: 2q35.
Variant type: single nucleotide variant.
Coding change: c.4139G>A on transcript NM_015311.3 (MANE Select); coding-DNA position 4139, G replaced by A.
Protein change: p.Arg1380Gln; replaces arginine 1380 with glutamine.
Molecular consequence: missense variant.
Genome position (GRCh38, 1-based): chr2:219,556,651, C>T on the plus strand (G>A on the coding strand, the complement: OBSL1 is on the minus strand). VCF-style: chr2-219556651-C-T. GRCh37 (hg19) VCF-style: chr2-220421373-C-T.
Other names: c.4139G>A, p.Arg1380Gln (NM_001173431.2); c.4139G>A (NM_015311.2); short protein forms R1380Q.
Identifiers: ClinVar variation 1380828 (VCV001380828.9), dbSNP rs202001381, ClinGen allele CA2130652.
Genomic context (GRCh38, chr2:219,556,651, plus strand): 5'-GTGACGACGGCCCCATTGCGCAGCCAGGTGACATCGGCATCTGGTGGGGAGACTTCACAC[C>T]GGAACGTGGCATCATCGCCCTCGTGGACAGTGAGTGGTGTCAGCTCCGAGACCAGCTTCA-3'
Protein context (NP_056126.1, residues 1370-1390): TVHEGDDATF[Arg1380Gln]CEVSPPDADV